The following is an entry in ClinVar:

NM_004204.5(PIGQ):c.572G>A (p.Trp191Ter)

Gene: PIGQ (phosphatidylinositol glycan anchor biosynthesis class Q; plus strand). Cytogenetic location: 16p13.3.
Variant type: single nucleotide variant.
Coding change: c.572G>A on transcript NM_004204.5 (MANE Select); coding-DNA position 572, G replaced by A.
Protein change: p.Trp191Ter; replaces tryptophan 191 with a stop codon.
Molecular consequence: nonsense.
Genome position (GRCh38, 1-based): chr16:574,646, G>A. VCF-style: chr16-574646-G-A. GRCh37 (hg19) VCF-style: chr16-624646-G-A.
Other names: c.572G>A, p.Trp191Ter (NM_148920.4); short protein forms W191*.
Identifiers: ClinVar variation 2296530 (VCV002296530.2), dbSNP rs758325986, ClinGen allele CA7779909.

ClinVar aggregate classification (germline): Pathogenic (1 of 4 stars; one submission).

Conditions:
Inborn genetic diseases. Identifiers: MedGen C0950123, MeSH D030342.

Allele frequency attached by ClinVar (database versions not stated): gnomAD 0.00001; gnomAD exomes 0.00001; ExAC 0.00002.
gnomAD v4.1: 10 of 1,607,732 alleles (0.00062%); highest among the groups gnomAD compares: Non-Finnish European, 0.00059%; no homozygotes.

Submission:

Ambry Genetics
Classification: Pathogenic for Inborn genetic diseases. Last evaluated: 2022-07-08. Review status: criteria provided, single submitter. Criteria: Ambry Variant Classification Scheme 2023. Collection method: clinical testing. Allele origin: germline.
Comment: The c.572G>A (p.W191*) alteration, located in exon 2 (coding exon 1) of the PIGQ gene, consists of a G to A substitution at nucleotide position 572. This changes the amino acid from a tryptophan (W) to a stop codon at amino acid position 191. This alteration is expected to result in loss of function by premature protein truncation or nonsense-mediated mRNA decay. Based on data from gnomAD, the A allele has an overall frequency of <0.01% (4/264218) total alleles studied. The highest observed frequency was 0.01% (2/22910) of European (Finnish) alleles. Based on the available evidence, this alteration is classified as pathogenic.